The following is an entry in ClinVar:

ClinVar aggregate classification (germline): Uncertain significance. Review status: criteria provided, multiple submitters, no conflicts (2 of 4 stars). 2 submissions from 2 submitters: Uncertain significance (2). Last evaluated 2022-12-07.

Conditions:
Familial thoracic aortic aneurysm and aortic dissection (TAAD). Also called: Thoracic aortic aneurysms and dissections. Identifiers: Orphanet 91387, MedGen C4707243, MONDO:0019625.
Aortic aneurysm, familial thoracic 4 (AAT4). Also called: AORTIC ANEURYSM/AORTIC DISSECTION AND PATENT DUCTUS ARTERIOSUS. Identifiers: MedGen C1851504, MONDO:0007568, OMIM 132900.

Submissions (2):

Labcorp Genetics (formerly Invitae), Labcorp
Classification: Uncertain significance for Aortic aneurysm, familial thoracic 4. Last evaluated: 2022-12-07. Review status: criteria provided, single submitter. Criteria: Invitae Variant Classification Sherloc (09022015). Collection method: clinical testing. Allele origin: germline.
Comment: Advanced modeling of protein sequence and biophysical properties (such as structural, functional, and spatial information, amino acid conservation, physicochemical variation, residue mobility, and thermodynamic stability) performed at Invitae indicates that this missense variant is not expected to disrupt MYH11 protein function. This sequence change replaces glycine, which is neutral and non-polar, with alanine, which is neutral and non-polar, at codon 1813 of the MYH11 protein (p.Gly1813Ala). This variant is not present in population databases (gnomAD no frequency). This variant has not been reported in the literature in individuals affected with MYH11-related conditions. ClinVar contains an entry for this variant (Variation ID: 1747396). In summary, the available evidence is currently insufficient to determine the role of this variant in disease. Therefore, it has been classified as a Variant of Uncertain Significance.

Ambry Genetics
Classification: Uncertain significance for Familial thoracic aortic aneurysm and aortic dissection. Last evaluated: 2022-10-03. Review status: criteria provided, single submitter. Criteria: Ambry Variant Classification Scheme 2023. Collection method: clinical testing. Allele origin: germline.
Comment: The p.G1806A variant (also known as c.5417G>C), located in coding exon 37 of the MYH11 gene, results from a G to C substitution at nucleotide position 5417. The glycine at codon 1806 is replaced by alanine, an amino acid with similar properties. This amino acid position is conserved. In addition, this alteration is predicted to be tolerated by in silico analysis. Since supporting evidence is limited at this time, the clinical significance of this alteration remains unclear.

NM_002474.3(MYH11):c.5417G>C (p.Gly1806Ala)

Genes: NDE1 (nudE neurodevelopment protein 1; plus strand), MYH11 (myosin heavy chain 11; minus strand). Cytogenetic location: 16p13.11.
Variant type: single nucleotide variant.
Coding change: c.5417G>C on transcript NM_002474.3 (MANE Select); coding-DNA position 5417, G replaced by C.
Protein change: p.Gly1806Ala; replaces glycine 1806 with alanine.
Molecular consequence: missense variant. On other transcripts: intron variant (2).
Genome position (GRCh38, 1-based): chr16:15,717,227, C>G on the plus strand (G>C on the coding strand, the complement: MYH11 is on the minus strand). VCF-style: chr16-15717227-C-G. GRCh37 (hg19) VCF-style: chr16-15811084-C-G.
Other names: c.5438G>C, p.Gly1813Ala (NM_001040113.2, NM_001040114.2); c.5417G>C, p.Gly1806Ala (NM_022844.3); c.948-6964C>G (NM_001143979.2, NM_017668.3); short protein forms G1806A, G1813A.
Identifiers: ClinVar variation 1747396 (VCV001747396.5), dbSNP rs2506083366, ClinGen allele CA394848934.
Genomic context (GRCh38, chr16:15,717,227, plus strand): 5'-AGCTGTGCAATCTTGGCCTCCAGCGCCGCGATGGTGGACTTGAACTTGGACTTGACGGCC[C>G]CCTCCATCTCGTGGAGCTTGCTCCGGAGCTCCTTGTTCTGCCGCTCGAGCTGCTGCCGGG-3'
Protein context (NP_002465.1, residues 1796-1816): ELRSKLHEME[Gly1806Ala]AVKSKFKSTI